The following is an entry in ClinVar:

ClinVar aggregate classification (germline): Uncertain significance. Review status: criteria provided, multiple submitters, no conflicts (2 of 4 stars). 3 submissions from 3 submitters: Uncertain significance (3). Last evaluated 2025-02-11.

Conditions:
Cardiovascular phenotype. Identifiers: MedGen CN230736.
Catecholaminergic polymorphic ventricular tachycardia (CVPT). Also called: Catecholamine-induced polymorphic ventricular tachycardia. Identifiers: Orphanet 3286, MedGen C5574922, MONDO:0017990.
Catecholaminergic polymorphic ventricular tachycardia 1. Also called: VENTRICULAR TACHYCARDIA, STRESS-INDUCED POLYMORPHIC 1; VENTRICULAR TACHYCARDIA, CATECHOLAMINERGIC POLYMORPHIC, 1, WITH OR WITHOUT ATRIAL DYSFUNCTION AND/OR DILATED CARDIOMYOPATHY; RYR2-Related Catecholaminergic Polymorphic Ventricular Tachycardia. Identifiers: Orphanet 3286, MedGen C1631597, MONDO:0011484, OMIM 604772.

Allele frequency attached by ClinVar (database versions not stated): ExAC 0.00001; gnomAD 0.00001; TOPMed 0.00007.
gnomAD v4.1: 3 of 1,613,794 alleles (0.00019%); highest among the groups gnomAD compares: African/African-American, 0.0027%; no homozygotes.

Submissions (3):

Labcorp Genetics (formerly Invitae), Labcorp
Classification: Uncertain significance for Catecholaminergic polymorphic ventricular tachycardia 1. Last evaluated: 2025-02-11. Review status: criteria provided, single submitter. Criteria: Invitae Variant Classification Sherloc (09022015). Collection method: clinical testing. Allele origin: germline.
Comment: This sequence change replaces proline, which is neutral and non-polar, with alanine, which is neutral and non-polar, at codon 978 of the RYR2 protein (p.Pro978Ala). This variant is present in population databases (rs758286810, gnomAD 0.008%). This variant has not been reported in the literature in individuals affected with RYR2-related conditions. ClinVar contains an entry for this variant (Variation ID: 2782603). Invitae Evidence Modeling of protein sequence and biophysical properties (such as structural, functional, and spatial information, amino acid conservation, physicochemical variation, residue mobility, and thermodynamic stability) indicates that this missense variant is expected to disrupt RYR2 protein function with a positive predictive value of 95%. In summary, the available evidence is currently insufficient to determine the role of this variant in disease. Therefore, it has been classified as a Variant of Uncertain Significance.

Ambry Genetics
Classification: Uncertain significance for Cardiovascular phenotype. Last evaluated: 2025-02-01. Review status: criteria provided, single submitter. Criteria: Ambry Variant Classification Scheme 2023. Collection method: clinical testing. Allele origin: germline.
Comment: The p.P978A variant (also known as c.2932C>G), located in coding exon 26 of the RYR2 gene, results from a C to G substitution at nucleotide position 2932. The proline at codon 978 is replaced by alanine, an amino acid with highly similar properties. This amino acid position is highly conserved in available vertebrate species. In addition, this alteration is predicted to be deleterious by in silico analysis. Based on the available evidence, the clinical significance of this variant remains unclear.

All of Us Research Program, National Institutes of Health
Classification: Uncertain significance for Catecholaminergic polymorphic ventricular tachycardia. Last evaluated: 2024-09-02. Review status: criteria provided, single submitter. Criteria: ACMG Guidelines, 2015. Collection method: clinical testing. Allele origin: germline. Inheritance: Autosomal dominant inheritance. Observed: 4 variant alleles, 4 heterozygotes.
Comment: This missense variant replaces proline with alanine at codon 978 of the RYR2 protein. Computational prediction suggests that this variant may have deleterious impact on protein structure and function (internally defined REVEL score threshold >= 0.7, PMID: 27666373). To our knowledge, functional studies have not been reported for this variant. This variant has not been reported in individuals affected with RYR2-related disorders in the literature. This variant has been identified in 2/280432 chromosomes in the general population by the Genome Aggregation Database (gnomAD). The available evidence is insufficient to determine the role of this variant in disease conclusively. Therefore, this variant is classified as a Variant of Uncertain Significance.

This study involves interpretation of variants in research participants for the purpose of population health screening. Participant phenotype was not available at the time of variant classification. Additional details can be found in publication PMID: 35346344, PMCID: PMC8962531

NM_001035.3(RYR2):c.2932C>G (p.Pro978Ala)

Gene: RYR2 (ryanodine receptor 2; plus strand). Cytogenetic location: 1q43.
Variant type: single nucleotide variant.
Coding change: c.2932C>G on transcript NM_001035.3 (MANE Select); coding-DNA position 2932, C replaced by G.
Protein change: p.Pro978Ala; replaces proline 978 with alanine.
Molecular consequence: missense variant.
Genome position (GRCh38, 1-based): chr1:237,548,456, C>G. VCF-style: chr1-237548456-C-G. GRCh37 (hg19) VCF-style: chr1-237711756-C-G.
Other names: c.2932C>G (NM_001035.2); short protein forms P978A.
Identifiers: ClinVar variation 2782603 (VCV002782603.6), dbSNP rs758286810, ClinGen allele CA086241.